The following is an entry in ClinVar:

NM_000551.4(VHL):c.*1_*3del (p.Ter214=)

Genes: VHL (von Hippel-Lindau tumor suppressor; plus strand), LOC107303340 (3p25 von Hippel-Lindau tumor suppressor, E3 ubiquitin protein ligase Alu-mediated recombination region; plus strand). Cytogenetic location: 3p25.3.
Variant type: Deletion.
Coding change: c.*1_*3del on transcript NM_000551.4 (MANE Select); 1 bases downstream of the stop codon through 3 bases downstream of the stop codon, 3 bases deleted (AGA; older notation c.*1_*3delAGA).
Protein change: p.Ter214=.
Molecular consequence: no sequence alteration. On other transcripts: 3 prime UTR variant (1).
Genome position (GRCh38, 1-based): chr3:10,149,966-10,149,968, AGA deleted; deleting any 3 consecutive bases within chr3:10,149,964-10,149,968 gives the same sequence; the c. name uses the placement nearest the transcript's 3' end. VCF-style (leftmost placement, unchanged base first): chr3-10149963-TGAA-T. GRCh37 (hg19) VCF-style: chr3-10191647-TGAA-T.
Other names: c.*197_*199del (NM_001354723.2); c.*1_*3del, p.Ter173= (NM_198156.3).
Identifiers: ClinVar variation 1678771 (VCV001678771.5), dbSNP rs1286603999, ClinGen allele CA541213544.

ClinVar aggregate classification (germline): Conflicting classifications of pathogenicity. Review status: criteria provided, conflicting classifications (1 of 4 stars). 4 submissions from 4 submitters: Uncertain significance (1); Benign (1); Likely benign (2). Last evaluated 2025-09-10.

Conditions:
Von Hippel-Lindau syndrome (VHLS). Also called: VHL syndrome; von Hippel–Lindau syndrome; Von Hippel-Lindau. Identifiers: Orphanet 892, MedGen C0019562, MONDO:0008667, OMIM 193300. Disease mechanism: loss of function.

Submissions (4):

Color Diagnostics, LLC DBA Color Health
Classification: Likely benign for Von Hippel-Lindau syndrome. Last evaluated: 2025-09-10. Review status: criteria provided, single submitter. Criteria: ACMG Guidelines, 2015. Collection method: clinical testing. Allele origin: germline.

Myriad Genetics, Inc.
Classification: Benign for Von Hippel-Lindau syndrome. Last evaluated: 2025-06-13. Review status: criteria provided, single submitter. Criteria: Myriad Autosomal Dominant, Autosomal Recessive and X-Linked Classification Criteria (2023). Collection method: clinical testing. Allele origin: unknown.
Comment: This variant is considered benign. This variant occurs in the non-coding 3' untranslated region of the gene, and is not expected to impact protein function.

All of Us Research Program, National Institutes of Health
Classification: Uncertain significance for Von Hippel-Lindau syndrome. Last evaluated: 2024-02-05. Review status: criteria provided, single submitter. Criteria: ACMG Guidelines, 2015. Collection method: clinical testing. Allele origin: germline. Inheritance: Autosomal dominant inheritance. Observed: 2 variant alleles, 2 heterozygotes.
Comment: This variant causes a 3-basepair deletion in the 3' untranslated region in the VHL gene. To our knowledge, functional studies have not been reported for this variant. This variant has not been reported in individuals affected with VHL-related disorders in the literature. This variant has been identified in 1/249286 chromosomes in the general population by the Genome Aggregation Database (gnomAD). The available evidence is insufficient to determine the role of this variant in disease conclusively. Therefore, this variant is classified as a Variant of Uncertain Significance.

This study involves interpretation of variants in research participants for the purpose of population health screening. Participant phenotype was not available at the time of variant classification. Additional details can be found in publication PMID: 35346344, PMCID: PMC8962531

GeneDx
Classification: Likely benign. Last evaluated: 2017-06-12. Review status: criteria provided, single submitter. Criteria: GeneDx Variant Classification Process June 2021. Collection method: clinical testing. Allele origin: germline. Affected: yes.
Comment: See Variant Classification Assertion Criteria.